The following is an entry in ClinVar:

NM_033225.6(CSMD1):c.2725G>A (p.Glu909Lys)

Gene: CSMD1 (CUB and Sushi multiple domains 1; minus strand). Cytogenetic location: 8p23.2.
Variant type: single nucleotide variant.
Coding change: c.2725G>A on transcript NM_033225.6 (MANE Select); coding-DNA position 2725, G replaced by A.
Protein change: p.Glu909Lys; replaces glutamic acid 909 with lysine.
Molecular consequence: missense variant.
Genome position (GRCh38, 1-based): chr8:3,387,551, C>T on the plus strand (G>A on the coding strand, the complement: CSMD1 is on the minus strand). VCF-style: chr8-3387551-C-T. GRCh37 (hg19) VCF-style: chr8-3245073-C-T.
Other names: short protein forms E909K.
Identifiers: ClinVar variation 3046760 (VCV003046760.3), dbSNP rs191881393, ClinGen allele CA4608204.

ClinVar aggregate classification (germline): Uncertain significance. Review status: criteria provided, single submitter (1 of 4 stars). 2 submissions from 2 submitters: Uncertain significance (1). 1 of the submissions does not count toward it. Last evaluated 2024-05-13.

Conditions:
CSMD1-related disorder. Also called: CSMD1-related condition.

Allele frequency attached by ClinVar (database versions not stated): gnomAD 0.00006; 1000 Genomes Project 30x 0.00016; 1000 Genomes Project 0.00020; TOPMed 0.00023; ExAC 0.00040.
gnomAD v4.1: 81 of 1,601,732 alleles (0.0051%); highest among the groups gnomAD compares: Admixed American, 0.13%; 1 homozygote.

Submissions (2):

Ambry Genetics
Classification: Uncertain significance. Last evaluated: 2024-05-13. Review status: criteria provided, single submitter. Criteria: Ambry Variant Classification Scheme 2023. Collection method: clinical testing. Allele origin: germline.

PreventionGenetics, part of Exact Sciences
Classification: Likely benign for CSMD1-related condition. Last evaluated: 2022-02-28. Review status: no assertion criteria provided. Collection method: clinical testing. Allele origin: germline. Not counted in ClinVar's aggregate classification.
Comment: This variant is classified as likely benign based on ACMG/AMP sequence variant interpretation guidelines (Richards et al. 2015 PMID: 25741868, with internal and published modifications).